The following is an entry in ClinVar:

ClinVar aggregate classification (germline): Uncertain significance. Review status: criteria provided, multiple submitters, no conflicts (2 of 4 stars). 3 submissions from 3 submitters: Uncertain significance (3). Last evaluated 2024-04-10.

Conditions:
Hereditary nonpolyposis colorectal neoplasms. Identifiers: MedGen C0009405, MeSH D003123.
Hereditary cancer-predisposing syndrome. Also called: Hereditary neoplastic syndrome; Neoplastic Syndromes, Hereditary; Tumor predisposition; Hereditary Cancer Syndrome. Identifiers: Orphanet 140162, MedGen C0027672, MeSH D009386, MONDO:0015356.
Endometrial carcinoma. Also called: Endometrial carcinoma, somatic. Identifiers: MedGen C0476089, MONDO:0002447, OMIM 608089, HP:0012114.

Allele frequency attached by ClinVar (database versions not stated): gnomAD exomes below 0.00001.
gnomAD v4.1: 2 of 1,614,090 alleles (0.00012%); highest among the groups gnomAD compares: South Asian, 0.0011%; no homozygotes.

Submissions (3):

Ambry Genetics
Classification: Uncertain significance for Hereditary cancer-predisposing syndrome. Last evaluated: 2024-04-10. Review status: criteria provided, single submitter. Criteria: Ambry Variant Classification Scheme 2023. Collection method: clinical testing. Allele origin: germline.
Comment: The p.H785R variant (also known as c.2354A>G), located in coding exon 4 of the MSH6 gene, results from an A to G substitution at nucleotide position 2354. The histidine at codon 785 is replaced by arginine, an amino acid with highly similar properties. This amino acid position is poorly conserved in available vertebrate species. In addition, this alteration is predicted to be tolerated by in silico analysis. Based on the available evidence, the clinical significance of this variant remains unclear.

Labcorp Genetics (formerly Invitae), Labcorp
Classification: Uncertain significance for Hereditary nonpolyposis colorectal neoplasms. Last evaluated: 2024-01-18. Review status: criteria provided, single submitter. Criteria: Invitae Variant Classification Sherloc (09022015). Collection method: clinical testing. Allele origin: germline.
Comment: This sequence change replaces histidine, which is basic and polar, with arginine, which is basic and polar, at codon 785 of the MSH6 protein (p.His785Arg). This variant is not present in population databases (gnomAD no frequency). This missense change has been observed in individual(s) with clinical features of MSH6-related conditions (PMID: 10612827). ClinVar contains an entry for this variant (Variation ID: 1034588). Advanced modeling of protein sequence and biophysical properties (such as structural, functional, and spatial information, amino acid conservation, physicochemical variation, residue mobility, and thermodynamic stability) performed at Invitae indicates that this missense variant is not expected to disrupt MSH6 protein function with a negative predictive value of 95%. In summary, the available evidence is currently insufficient to determine the role of this variant in disease. Therefore, it has been classified as a Variant of Uncertain Significance.

Baylor Genetics
Classification: Uncertain significance for Endometrial carcinoma. Last evaluated: 2023-07-23. Review status: criteria provided, single submitter. Criteria: ACMG Guidelines, 2015. Collection method: clinical testing. Allele origin: unknown.

Literature cited by the submitters: PubMed 10612827 (cited by Labcorp Genetics (formerly Invitae), Labcorp).

NM_000179.3(MSH6):c.2354A>G (p.His785Arg)

Gene: MSH6 (mutS homolog 6; plus strand). Cytogenetic location: 2p16.3.
Variant type: single nucleotide variant.
Coding change: c.2354A>G on transcript NM_000179.3 (MANE Select); coding-DNA position 2354, A replaced by G.
Protein change: p.His785Arg; replaces histidine 785 with arginine.
Molecular consequence: missense variant.
Genome position (GRCh38, 1-based): chr2:47,800,337, A>G. VCF-style: chr2-47800337-A-G. GRCh37 (hg19) VCF-style: chr2-48027476-A-G.
Other names: c.2354A>G (NM_000179.2); c.1964A>G, p.His655Arg (NM_001281492.2); c.1448A>G, p.His483Arg (NM_001281493.2, NM_001281494.2); short protein forms H785R, H483R, H655R.
Identifiers: ClinVar variation 1034588 (VCV001034588.11), dbSNP rs1669452752, ClinGen allele CA346753556.
Genomic context (GRCh38, chr2:47,800,337, plus strand): 5'-GCCATACTCCTTTTGGTAAGCGGCTCCTAAAGCAATGGCTTTGTGCCCCACTCTGTAACC[A>G]TTATGCTATTAATGATCGTCTAGATGCCATAGAAGACCTCATGGTTGTGCCTGACAAAAT-3'
Protein context (NP_000170.1, residues 775-795): KQWLCAPLCN[His785Arg]YAINDRLDAI